The following is an entry in ClinVar:

NM_000051.4(ATM):c.233C>T (p.Ala78Val)

Gene: ATM (ATM serine/threonine kinase; plus strand). Cytogenetic location: 11q22.3.
Variant type: single nucleotide variant.
Coding change: c.233C>T on transcript NM_000051.4 (MANE Select); coding-DNA position 233, C replaced by T.
Protein change: p.Ala78Val; replaces alanine 78 with valine.
Molecular consequence: missense variant.
Genome position (GRCh38, 1-based): chr11:108,229,225, C>T. VCF-style: chr11-108229225-C-T. GRCh37 (hg19) VCF-style: chr11-108099952-C-T.
Other names: c.233C>T, p.Ala78Val (NM_001351834.2, NM_001351835.2, NM_001351836.2); short protein forms A78V.
Identifiers: ClinVar variation 4761339 (VCV004761339.1).
Genomic context (GRCh38, chr11:108,229,225, plus strand): 5'-TGTTTTCTTGAAGATTTTTACAGAAATATATTCAGAAAGAAACAGAATGTCTGAGAATAG[C>T]AAAACCAAATGTATCAGCCTCAACACAAGCCTCCAGGCAGAAAAAGATGCAGGAAATCAG-3'
Protein context (NP_000042.3, residues 68-88): IQKETECLRI[Ala78Val]KPNVSASTQA

ClinVar aggregate classification (germline): Uncertain significance (1 of 4 stars; one submission).

Conditions:
Ataxia-telangiectasia syndrome (AT). Also called: Ataxia telangiectasia (A-T); Cerebello-oculocutaneous telangiectasia; Immunodeficiency with ataxia telangiectasia; Ataxia-telangiectasia, complementation group D; AT, COMPLEMENTATION GROUP C; LOUIS-BAR SYNDROME. Identifiers: Orphanet 100, MedGen C0004135, MONDO:0008840, OMIM 208900.

Submission:

Labcorp Genetics (formerly Invitae), Labcorp
Classification: Uncertain significance for Ataxia-telangiectasia syndrome. Last evaluated: 2025-10-07. Review status: criteria provided, single submitter. Criteria: Invitae Variant Classification Sherloc (09022015). Collection method: clinical testing. Allele origin: germline.
Comment: This sequence change replaces alanine, which is neutral and non-polar, with valine, which is neutral and non-polar, at codon 78 of the ATM protein (p.Ala78Val). This variant is not present in population databases (gnomAD no frequency). This variant has not been reported in the literature in individuals affected with ATM-related conditions. Invitae Evidence Modeling of protein sequence and biophysical properties (such as structural, functional, and spatial information, amino acid conservation, physicochemical variation, residue mobility, and thermodynamic stability) indicates that this missense variant is not expected to disrupt ATM protein function with a negative predictive value of 95%. In summary, the available evidence is currently insufficient to determine the role of this variant in disease. Therefore, it has been classified as a Variant of Uncertain Significance.